The following is an entry in ClinVar:

ClinVar aggregate classification (germline): Conflicting classifications of pathogenicity. Review status: criteria provided, conflicting classifications (1 of 4 stars). 7 submissions from 7 submitters: Uncertain significance (6); Likely benign (1). Last evaluated 2025-12-09.

Conditions:
Polyposis syndrome, hereditary mixed, 2. Identifiers: Orphanet 157794, MedGen C1864730, MONDO:0012405, OMIM 610069.
Hereditary cancer-predisposing syndrome. Also called: Hereditary neoplastic syndrome; Neoplastic Syndromes, Hereditary; Tumor predisposition; Hereditary Cancer Syndrome. Identifiers: Orphanet 140162, MedGen C0027672, MeSH D009386, MONDO:0015356.
Juvenile polyposis syndrome (JPS). Identifiers: Orphanet 2929, MedGen C0345893, MONDO:0017380, OMIM 174900.

Allele frequency attached by ClinVar (database versions not stated): ExAC 0.00001; gnomAD exomes 0.00001; TOPMed 0.00001; gnomAD 0.00002; ESP Exome Variant Server 0.00008.
gnomAD v4.1: 16 of 1,613,950 alleles (0.00099%); highest among the groups gnomAD compares: African/African-American, 0.0027%; no homozygotes.

Submissions (7):

Labcorp Genetics (formerly Invitae), Labcorp
Classification: Uncertain significance for Juvenile polyposis syndrome. Last evaluated: 2025-12-09. Review status: criteria provided, single submitter. Criteria: Invitae Variant Classification Sherloc (09022015). Collection method: clinical testing. Allele origin: germline.
Comment: This sequence change replaces arginine, which is basic and polar, with glutamine, which is neutral and polar, at codon 244 of the BMPR1A protein (p.Arg244Gln). This variant is present in population databases (rs147971049, gnomAD 0.002%). This variant has not been reported in the literature in individuals affected with BMPR1A-related conditions. ClinVar contains an entry for this variant (Variation ID: 411639). Invitae Evidence Modeling incorporating data from in vitro experimental studies (internal data) indicates that this missense variant is not expected to disrupt BMPR1A function with a negative predictive value of 95%. In summary, the available evidence is currently insufficient to determine the role of this variant in disease. Therefore, it has been classified as a Variant of Uncertain Significance.

Quest Diagnostics Nichols Institute San Juan Capistrano
Classification: Uncertain significance. Last evaluated: 2024-09-06. Review status: criteria provided, single submitter. Criteria: Quest Diagnostics criteria. Collection method: clinical testing. Allele origin: unknown.
Comment: The BMPR1A c.731G>A (p.Arg244Gln) variant has been reported in the published literature in a reportedly healthy individual during a biliary tract cancer case-control study (PMID: 36243179 (2022)). To the best of our knowledge, this variant has not been reported in individuals with BMPR1A-related cancers. The frequency of this variant in the general population, 0.000008 (2/251404 chromosomes (Genome Aggregation Database)), is uninformative in the assessment of its pathogenicity. Analysis of this variant using bioinformatics tools for the prediction of the effect of amino acid changes on protein structure and function yielded predictions that this variant is damaging. Based on the available information, we are unable to determine the clinical significance of this variant.

All of Us Research Program, National Institutes of Health
Classification: Uncertain significance for Juvenile polyposis syndrome. Last evaluated: 2024-03-05. Review status: criteria provided, single submitter. Criteria: ACMG Guidelines, 2015. Collection method: clinical testing. Allele origin: germline. Inheritance: Autosomal dominant inheritance. Observed: 1 variant allele, 1 heterozygote.
Comment: This study involves interpretation of variants in research participants for the purpose of population health screening. Participant phenotype was not available at the time of variant classification. Additional details can be found in publication PMID: 35346344, PMCID: PMC8962531

Color Diagnostics, LLC DBA Color Health
Classification: Uncertain significance for Hereditary cancer-predisposing syndrome. Last evaluated: 2024-01-04. Review status: criteria provided, single submitter. Criteria: ACMG Guidelines, 2015. Collection method: clinical testing. Allele origin: germline.
Comment: This missense variant replaces arginine with glutamine at codon 244 of the BMPR1A protein. Computational prediction suggests that this variant may have deleterious impact on protein structure and function (internally defined REVEL score threshold >= 0.7, PMID: 27666373). To our knowledge, functional studies have not been reported for this variant. This variant has not been reported in individuals affected with BMPR1A-related disorders in the literature. This variant has been identified in 2/251404 chromosomes in the general population by the Genome Aggregation Database (gnomAD). The available evidence is insufficient to determine the role of this variant in disease conclusively. Therefore, this variant is classified as a Variant of Uncertain Significance.

Baylor Genetics
Classification: Uncertain significance for Polyposis syndrome, hereditary mixed, 2. Last evaluated: 2023-06-05. Review status: criteria provided, single submitter. Criteria: ACMG Guidelines, 2015. Collection method: clinical testing. Allele origin: unknown.

Ambry Genetics
Classification: Likely benign for Hereditary cancer-predisposing syndrome. Last evaluated: 2023-04-06. Review status: criteria provided, single submitter. Criteria: Ambry Variant Classification Scheme 2023. Collection method: clinical testing. Allele origin: germline.

GeneDx
Classification: Uncertain significance. Last evaluated: 2023-01-23. Review status: criteria provided, single submitter. Criteria: GeneDx Variant Classification Process June 2021. Collection method: clinical testing. Allele origin: germline. Affected: yes.
Comment: Not observed at significant frequency in large population cohorts (gnomAD); In silico analysis supports that this missense variant has a deleterious effect on protein structure/function; Has not been previously published as pathogenic or benign to our knowledge; This variant is associated with the following publications: (PMID: 25801821, 15235019)

Literature cited by the submitters: PubMed 36243179 (cited by Quest Diagnostics Nichols Institute San Juan Capistrano).

NM_004329.3(BMPR1A):c.731G>A (p.Arg244Gln)

Gene: BMPR1A (bone morphogenetic protein receptor type 1A; plus strand). Cytogenetic location: 10q23.2.
Variant type: single nucleotide variant.
Coding change: c.731G>A on transcript NM_004329.3 (MANE Select); coding-DNA position 731, G replaced by A.
Protein change: p.Arg244Gln; replaces arginine 244 with glutamine.
Molecular consequence: missense variant.
Genome position (GRCh38, 1-based): chr10:86,917,189, G>A. VCF-style: chr10-86917189-G-A. GRCh37 (hg19) VCF-style: chr10-88676946-G-A.
Other names: short protein forms R244Q.
Identifiers: ClinVar variation 411639 (VCV000411639.35), dbSNP rs147971049, ClinGen allele CA5585596.
Genomic context (GRCh38, chr10:86,917,189, plus strand): 5'-TAAAGGTTCAGCGAACTATTGCCAAACAGATTCAGATGGTCCGGCAAGTTGGTAAAGGCC[G>A]ATATGGAGAAGTATGGATGGGCAAATGGCGTGGCGAAAAAGTGGCGGTGAAAGTATTCTT-3'
Protein context (NP_004320.2, residues 234-254): IQMVRQVGKG[Arg244Gln]YGEVWMGKWR